The following is an entry in ClinVar:

ClinVar aggregate classification (germline): Uncertain significance (1 of 4 stars; one submission).

Conditions:
Greig cephalopolysyndactyly syndrome (GCPS). Also called: POLYSYNDACTYLY WITH PECULIAR SKULL SHAPE; Greig syndrome; GLI3-Related Greig Cephalopolysyndactyly Syndrome. Identifiers: Orphanet 380, MedGen C0265306, MONDO:0008287, OMIM 175700.
Pallister-Hall syndrome (PHS). Also called: HYPOTHALAMIC HAMARTOBLASTOMA, HYPOPITUITARISM, IMPERFORATE ANUS, AND POSTAXIAL POLYDACTYLY; GLI3-Related Pallister-Hall Syndrome. Identifiers: Orphanet 672, MedGen C0265220, MONDO:0007804, OMIM 146510.

Allele frequency attached by ClinVar (database versions not stated): gnomAD exomes below 0.00001; TOPMed below 0.00001.

Submission:

Labcorp Genetics (formerly Invitae), Labcorp
Classification: Uncertain significance for Pallister-Hall syndrome; Greig cephalopolysyndactyly syndrome. Last evaluated: 2023-06-23. Review status: criteria provided, single submitter. Criteria: Invitae Variant Classification Sherloc (09022015). Collection method: clinical testing. Allele origin: germline.
Comment: ClinVar contains an entry for this variant (Variation ID: 2414600). This variant has not been reported in the literature in individuals affected with GLI3-related conditions. This variant is not present in population databases (gnomAD no frequency). This sequence change replaces methionine, which is neutral and non-polar, with leucine, which is neutral and non-polar, at codon 1423 of the GLI3 protein (p.Met1423Leu). In summary, the available evidence is currently insufficient to determine the role of this variant in disease. Therefore, it has been classified as a Variant of Uncertain Significance. An algorithm developed to predict the effect of missense changes on protein structure and function (PolyPhen-2) suggests that this variant is likely to be tolerated.

NM_000168.6(GLI3):c.4267A>T (p.Met1423Leu)

Gene: GLI3 (GLI family zinc finger 3; minus strand). Cytogenetic location: 7p14.1.
Variant type: single nucleotide variant.
Coding change: c.4267A>T on transcript NM_000168.6 (MANE Select); coding-DNA position 4267, A replaced by T.
Protein change: p.Met1423Leu; replaces methionine 1423 with leucine.
Molecular consequence: missense variant.
Genome position (GRCh38, 1-based): chr7:41,964,806, T>A on the plus strand (A>T on the coding strand, the complement: GLI3 is on the minus strand). VCF-style: chr7-41964806-T-A. GRCh37 (hg19) VCF-style: chr7-42004404-T-A.
Other names: short protein forms M1423L.
Identifiers: ClinVar variation 2414600 (VCV002414600.6), dbSNP rs1787114791, ClinGen allele CA367315401.